The following is an entry in ClinVar:

NM_021076.4(NEFH):c.503G>T (p.Arg168Leu)

Gene: NEFH (neurofilament heavy chain; plus strand). Cytogenetic location: 22q12.2.
Variant type: single nucleotide variant.
Coding change: c.503G>T on transcript NM_021076.4 (MANE Select); coding-DNA position 503, G replaced by T.
Protein change: p.Arg168Leu; replaces arginine 168 with leucine.
Molecular consequence: missense variant.
Genome position (GRCh38, 1-based): chr22:29,480,765, G>T. VCF-style: chr22-29480765-G-T. GRCh37 (hg19) VCF-style: chr22-29876754-G-T.
Other names: p.Arg168Leu; c.503G>T (NM_021076.3); short protein forms R168L.
Identifiers: ClinVar variation 1438699 (VCV001438699.9), dbSNP rs1009899708, ClinGen allele CA323083009.

ClinVar aggregate classification (germline): Uncertain significance. Review status: criteria provided, multiple submitters, no conflicts (2 of 4 stars). 4 submissions from 4 submitters: Uncertain significance (4). Last evaluated 2026-01-13.

Conditions:
NEFH-related disorder. Also called: NEFH-related condition.

Allele frequency attached by ClinVar (database versions not stated): gnomAD 0.00002 and 0.00003; gnomAD exomes 0.00004 and 0.00009; TOPMed 0.00004.
gnomAD v4.1: 123 of 1,445,252 alleles (0.0085%); highest among the groups gnomAD compares: Non-Finnish European, 0.011%; no homozygotes.

Submissions (4):

Labcorp Genetics (formerly Invitae), Labcorp
Classification: Uncertain significance. Last evaluated: 2026-01-13. Review status: criteria provided, single submitter. Criteria: Invitae Variant Classification Sherloc (09022015). Collection method: clinical testing. Allele origin: germline.
Comment: This sequence change replaces arginine, which is basic and polar, with leucine, which is neutral and non-polar, at codon 168 of the NEFH protein (p.Arg168Leu). The frequency data for this variant in the population databases is considered unreliable, as metrics indicate poor data quality at this position in the gnomAD database. This variant has not been reported in the literature in individuals affected with NEFH-related conditions. ClinVar contains an entry for this variant (Variation ID: 1438699). Invitae Evidence Modeling of protein sequence and biophysical properties (such as structural, functional, and spatial information, amino acid conservation, physicochemical variation, residue mobility, and thermodynamic stability) indicates that this missense variant is not expected to disrupt NEFH protein function with a negative predictive value of 95%. In summary, the available evidence is currently insufficient to determine the role of this variant in disease. Therefore, it has been classified as a Variant of Uncertain Significance.

PreventionGenetics, part of Exact Sciences
Classification: Uncertain significance for NEFH-related condition. Last evaluated: 2025-10-16. Review status: criteria provided, single submitter. Criteria: ACMG Guidelines, 2015. Collection method: clinical testing. Allele origin: germline.
Comment: The NEFH c.503G>T variant is predicted to result in the amino acid substitution p.Arg168Leu. To our knowledge, this variant has not been reported in the literature. This variant is reported in 0.0045% of alleles in individuals of European (non-Finnish) descent in gnomAD. At this time, the clinical significance of this variant is uncertain due to the absence of conclusive functional and genetic evidence.

Mayo Clinic Laboratories, Mayo Clinic
Classification: Uncertain significance. Last evaluated: 2025-05-05. Review status: criteria provided, single submitter. Criteria: ACMG Guidelines, 2015. Collection method: clinical testing. Allele origin: germline. Observed: 1 variant allele.

Blueprint Genetics
Classification: Uncertain significance. Last evaluated: 2021-09-09. Review status: criteria provided, single submitter. Criteria: ACMG Guidelines, 2015. Collection method: clinical testing. Allele origin: germline.